The following is an entry in ClinVar:

NM_001197104.2(KMT2A):c.3416A>G (p.Lys1139Arg)

Gene: KMT2A (lysine methyltransferase 2A; plus strand). Cytogenetic location: 11q23.3.
Variant type: single nucleotide variant.
Coding change: c.3416A>G on transcript NM_001197104.2 (MANE Select); coding-DNA position 3416, A replaced by G.
Protein change: p.Lys1139Arg; replaces lysine 1139 with arginine.
Molecular consequence: missense variant.
Genome position (GRCh38, 1-based): chr11:118,478,048, A>G. VCF-style: chr11-118478048-A-G. GRCh37 (hg19) VCF-style: chr11-118348763-A-G.
Other names: c.3515A>G, p.Lys1172Arg (NM_001412597.1); c.3416A>G, p.Lys1139Arg (NM_005933.4); short protein forms K1172R, K1139R.
Identifiers: ClinVar variation 2745533 (VCV002745533.3), dbSNP rs2496840993, ClinGen allele CA382824592.

ClinVar aggregate classification (germline): Uncertain significance (1 of 4 stars; one submission).

Submission:

Labcorp Genetics (formerly Invitae), Labcorp
Classification: Uncertain significance. Last evaluated: 2023-07-27. Review status: criteria provided, single submitter. Criteria: Invitae Variant Classification Sherloc (09022015). Collection method: clinical testing. Allele origin: germline.
Comment: This variant has not been reported in the literature in individuals affected with KMT2A-related conditions. In summary, the available evidence is currently insufficient to determine the role of this variant in disease. Therefore, it has been classified as a Variant of Uncertain Significance. Advanced modeling of protein sequence and biophysical properties (such as structural, functional, and spatial information, amino acid conservation, physicochemical variation, residue mobility, and thermodynamic stability) has been performed at Invitae for this missense variant, however the output from this modeling did not meet the statistical confidence thresholds required to predict the impact of this variant on KMT2A protein function. This variant is not present in population databases (gnomAD no frequency). This sequence change replaces lysine, which is basic and polar, with arginine, which is basic and polar, at codon 1139 of the KMT2A protein (p.Lys1139Arg).